The following is an entry in ClinVar:

ClinVar aggregate classification (germline): Uncertain significance. Review status: criteria provided, multiple submitters, no conflicts (2 of 4 stars). 2 submissions from 2 submitters: Uncertain significance (2). Last evaluated 2026-01-23.

Conditions:
Combined immunodeficiency due to DOCK8 deficiency (HIES2). Also called: HIES autosomal recessive; Hyper-IgE recurrent infection syndrome, autosomal recessive; HYPER-IgE RECURRENT INFECTION SYNDROME 2, AUTOSOMAL RECESSIVE; HYPER-IgE SYNDROME 2, AUTOSOMAL RECESSIVE, WITH RECURRENT INFECTIONS; DOCK8 Deficiency. Identifiers: Orphanet 217390, MedGen C4722305, MONDO:0009478, OMIM 243700.

Allele frequency attached by ClinVar (database versions not stated): TOPMed below 0.00001; gnomAD 0.00001.
gnomAD v4.1: 6 of 1,614,036 alleles (0.00037%); highest among the groups gnomAD compares: Admixed American, 0.0017%; no homozygotes.

Submissions (2):

Women's Health and Genetics/Laboratory Corporation of America, LabCorp
Classification: Uncertain significance. Last evaluated: 2026-01-23. Review status: criteria provided, single submitter. Criteria: LabCorp Variant Classification Summary - May 2015. Collection method: clinical testing. Allele origin: germline.

Labcorp Genetics (formerly Invitae), Labcorp
Classification: Uncertain significance for Combined immunodeficiency due to DOCK8 deficiency. Last evaluated: 2025-09-28. Review status: criteria provided, single submitter. Criteria: Invitae Variant Classification Sherloc (09022015). Collection method: clinical testing. Allele origin: germline.
Comment: This sequence change replaces lysine, which is basic and polar, with arginine, which is basic and polar, at codon 531 of the DOCK8 protein (p.Lys531Arg). This variant is not present in population databases (gnomAD no frequency). This variant has not been reported in the literature in individuals affected with DOCK8-related conditions. ClinVar contains an entry for this variant (Variation ID: 1391325). Invitae Evidence Modeling of protein sequence and biophysical properties (such as structural, functional, and spatial information, amino acid conservation, physicochemical variation, residue mobility, and thermodynamic stability) indicates that this missense variant is not expected to disrupt DOCK8 protein function with a negative predictive value of 80%. In summary, the available evidence is currently insufficient to determine the role of this variant in disease. Therefore, it has been classified as a Variant of Uncertain Significance.

NM_203447.4(DOCK8):c.1592A>G (p.Lys531Arg)

Gene: DOCK8 (dedicator of cytokinesis 8; plus strand). Cytogenetic location: 9p24.3.
Variant type: single nucleotide variant.
Coding change: c.1592A>G on transcript NM_203447.4 (MANE Select); coding-DNA position 1592, A replaced by G.
Protein change: p.Lys531Arg; replaces lysine 531 with arginine.
Molecular consequence: missense variant.
Genome position (GRCh38, 1-based): chr9:340,234, A>G. VCF-style: chr9-340234-A-G. GRCh37 (hg19) VCF-style: chr9-340234-A-G.
Other names: c.1388A>G, p.Lys463Arg (NM_001190458.2, NM_001193536.2); short protein forms K531R, K463R.
Identifiers: ClinVar variation 1391325 (VCV001391325.8), dbSNP rs1254114400, ClinGen allele CA372755627.
Genomic context (GRCh38, chr9:340,234, plus strand): 5'-AGATTTCTACAGCTCCAGAGATCATCAATTGCTGTCTGACTCCTGAAATGCTGCCCGTGA[A>G]ACCCTTTCCTGAAAACCGGACACGCCCGCACAAAGAGATTTTGGAATTTCCAACACGAGA-3'
Protein context (NP_982272.2, residues 521-541): CCLTPEMLPV[Lys531Arg]PFPENRTRPH